The following is an entry in ClinVar:

NM_172364.5(CACNA2D4):c.1940+1G>A

Gene: CACNA2D4 (calcium voltage-gated channel auxiliary subunit alpha2delta 4; minus strand). Cytogenetic location: 12p13.33.
Variant type: single nucleotide variant.
Coding change: c.1940+1G>A on transcript NM_172364.5 (MANE Select); the canonical splice donor site of the intron after coding-DNA position 1940, G replaced by A.
Molecular consequence: splice donor variant.
Genome position (GRCh38, 1-based): chr12:1,860,144, C>T on the plus strand (G>A on the coding strand, the complement: CACNA2D4 is on the minus strand). VCF-style: chr12-1860144-C-T. GRCh37 (hg19) VCF-style: chr12-1969310-C-T.
Identifiers: ClinVar variation 1057143 (VCV001057143.9), dbSNP rs1240311632, ClinGen allele CA383350177.
Genomic context (GRCh38, chr12:1,860,144, plus strand): 5'-ATGAGTTGCTGGTATTCATGTTCAACCCTCACCCCGTGCAAATAAAGCCTGTGTCCCTCA[C>T]CTGAAAGGGGTGTCGCTGATGTCCGTGAAGAAGTAGTCATTGGTCAGGAAAAGAACTCGC-3'

ClinVar aggregate classification (germline): Conflicting classifications of pathogenicity. Review status: criteria provided, conflicting classifications (1 of 4 stars). 2 submissions from 2 submitters: Likely pathogenic (1); Uncertain significance (1). Last evaluated 2025-05-06.

Conditions:
CACNA2D4-related disorder. Also called: CACNA2D4-related condition.

Allele frequency attached by ClinVar (database versions not stated): gnomAD exomes 0.00001 and 0.00002; gnomAD 0.00002; TOPMed 0.00002.
gnomAD v4.1: 28 of 1,612,478 alleles (0.0017%); highest among the groups gnomAD compares: Non-Finnish European, 0.0022%; no homozygotes.

Submissions (2):

Labcorp Genetics (formerly Invitae), Labcorp
Classification: Uncertain significance. Last evaluated: 2025-05-06. Review status: criteria provided, single submitter. Criteria: Invitae Variant Classification Sherloc (09022015). Collection method: clinical testing. Allele origin: germline.
Comment: This sequence change affects a donor splice site in intron 19 of the CACNA2D4 gene. It is expected to disrupt RNA splicing. Variants that disrupt the donor or acceptor splice site typically lead to a loss of protein function (PMID: 16199547), however the current clinical and genetic evidence is not sufficient to establish whether loss-of-function variants in CACNA2D4 cause disease. This variant is present in population databases (no rsID available, gnomAD 0.002%). This variant has not been reported in the literature in individuals affected with CACNA2D4-related conditions. ClinVar contains an entry for this variant (Variation ID: 1057143). Algorithms developed to predict the effect of sequence changes on RNA splicing suggest that this variant may disrupt the consensus splice site. In summary, the available evidence is currently insufficient to determine the role of this variant in disease. Therefore, it has been classified as a Variant of Uncertain Significance.

Blueprint Genetics
Classification: Likely pathogenic for CACNA2D4-related disorders. Last evaluated: 2023-02-17. Review status: criteria provided, single submitter. Criteria: ACMG Guidelines, 2015. Collection method: clinical testing. Allele origin: germline. Affected: yes. Observed: 3 variant alleles.

Literature cited by the submitters: PubMed 16199547 (cited by Labcorp Genetics (formerly Invitae), Labcorp).